The following is an entry in ClinVar:

ClinVar aggregate classification (germline): Uncertain significance. Review status: criteria provided, multiple submitters, no conflicts (2 of 4 stars). 6 submissions from 6 submitters: Uncertain significance (6). Last evaluated 2025-06-13.

Conditions:
Hypertrophic cardiomyopathy 1 (CMH1). Also called: Familial hypertrophic cardiomyopathy 1; MYH7-Related Familial Hypertrophic Cardiomyopathy. Identifiers: MedGen C3495498, MONDO:0008647, OMIM 192600.
Myopathy, myosin storage, autosomal recessive (CMYO7B). Also called: CONGENITAL MYOPATHY 7B, MYOSIN STORAGE, AUTOSOMAL RECESSIVE. Identifiers: Orphanet 636970, MedGen C1850709, MONDO:0009708, OMIM 255160.
Myosin storage myopathy (CMYO7A). Also called: MYOPATHY WITH LYSIS OF TYPE I MYOFIBRILS; MYH7-related late-onset scapuloperoneal muscular dystrophy; Congenital myopathy 7A, myosin storage, autosomal dominant; MYOPATHY, HYALINE BODY, AUTOSOMAL DOMINANT; Scapuloperoneal myopathy, MYH7-related; SCAPULOPERONEAL MUSCULAR DYSTROPHY. Identifiers: Orphanet 437572, Orphanet 636965, MedGen C1842160, MONDO:0008409, OMIM 608358.
Dilated cardiomyopathy 1S (CMD1S). Identifiers: Orphanet 154, Orphanet 54260, MedGen C1834481, MONDO:0013262, OMIM 613426.
Congenital myopathy with fiber type disproportion. Also called: Congenital fiber-type disproportion; Congenital fiber-type disproportion myopathy. Identifiers: Orphanet 2020, MedGen C0546264, MONDO:0009711. Inheritance: all.
MYH7-related skeletal myopathy. Also called: Myopathy, distal, 1; Laing early-onset distal myopathy; MYOPATHY, DISTAL, EARLY-ONSET, AUTOSOMAL DOMINANT; MYOPATHY, LATE DISTAL HEREDITARY; Laing distal myopathy. Identifiers: Orphanet 59135, MedGen C4552004, MONDO:0008050, OMIM 160500.
Cardiovascular phenotype. Identifiers: MedGen CN230736.
Cardiomyopathy (CMYO). Also called: Cardiomyopathies. Identifiers: Orphanet 167848, MedGen C0878544, MONDO:0004994, HP:0001638. Inheritance: Various modes of inheritance.
Hypertrophic cardiomyopathy. Also called: HYPERTROPHIC MYOCARDIOPATHY. Identifiers: Orphanet 217569, MedGen C0007194, MeSH D002312, MONDO:0005045, HP:0001639.

Allele frequency attached by ClinVar (database versions not stated): TOPMed below 0.00001; gnomAD 0.00001.
gnomAD v4.1: 1 of 1,614,040 alleles (0.000062%); highest among the groups gnomAD compares: Non-Finnish European, 0.000085%; no homozygotes.

Submissions (6):

Ambry Genetics
Classification: Uncertain significance for Cardiovascular phenotype. Last evaluated: 2025-06-13. Review status: criteria provided, single submitter. Criteria: Ambry Variant Classification Scheme 2023. Collection method: clinical testing. Allele origin: germline.
Comment: The p.K991N variant (also known as c.2973G>T), located in coding exon 22 of the MYH7 gene, results from a G to T substitution at nucleotide position 2973. The lysine at codon 991 is replaced by asparagine, an amino acid with similar properties. This variant was reported in individual(s) with features consistent with dilated cardiomyopathy (DCM) (Walsh R et al. Genet Med, 2017 Feb;19:192-203). This amino acid position is highly conserved in available vertebrate species. In addition, the in silico prediction for this alteration is inconclusive. Based on the available evidence, the clinical significance of this variant remains unclear.

Labcorp Genetics (formerly Invitae), Labcorp
Classification: Uncertain significance for Hypertrophic cardiomyopathy. Last evaluated: 2025-03-03. Review status: criteria provided, single submitter. Criteria: Invitae Variant Classification Sherloc (09022015). Collection method: clinical testing. Allele origin: germline.
Comment: This sequence change replaces lysine, which is basic and polar, with asparagine, which is neutral and polar, at codon 991 of the MYH7 protein (p.Lys991Asn). This variant is not present in population databases (gnomAD no frequency). This missense change has been observed in individual(s) with dilated cardiomyopathy (PMID: 24503780, 37652022). ClinVar contains an entry for this variant (Variation ID: 177895). Invitae Evidence Modeling of protein sequence and biophysical properties (such as structural, functional, and spatial information, amino acid conservation, physicochemical variation, residue mobility, and thermodynamic stability) indicates that this missense variant is expected to disrupt MYH7 protein function with a positive predictive value of 95%. In summary, the available evidence is currently insufficient to determine the role of this variant in disease. Therefore, it has been classified as a Variant of Uncertain Significance.

All of Us Research Program, National Institutes of Health
Classification: Uncertain significance for Cardiomyopathy. Last evaluated: 2024-03-05. Review status: criteria provided, single submitter. Criteria: ACMG Guidelines, 2015. Collection method: clinical testing. Allele origin: germline. Inheritance: Autosomal dominant inheritance. Observed: 2 variant alleles, 2 heterozygotes.
Comment: This missense variant replaces lysine with asparagine at codon 991 of the MYH7 protein. Computational prediction tools indicate that this variant may have an uncertain impact on protein structure and function. To our knowledge, functional studies have not been reported for this variant. This variant has been reported in one individual affected with dilated cardiomyopathy (PMID: 24503780, 27532257). This variant has not been identified in the general population by the Genome Aggregation Database (gnomAD). The available evidence is insufficient to determine the role of this variant in disease conclusively. Therefore, this variant is classified as a Variant of Uncertain Significance.

This study involves interpretation of variants in research participants for the purpose of population health screening. Participant phenotype was not available at the time of variant classification. Additional details can be found in publication PMID: 35346344, PMCID: PMC8962531

Color Diagnostics, LLC DBA Color Health
Classification: Uncertain significance for Cardiomyopathy. Last evaluated: 2023-10-30. Review status: criteria provided, single submitter. Criteria: ACMG Guidelines, 2015. Collection method: clinical testing. Allele origin: germline.
Comment: This missense variant replaces lysine with asparagine at codon 991 of the MYH7 protein. Computational prediction tools indicate that this variant may have an uncertain impact on protein structure and function. To our knowledge, functional studies have not been reported for this variant. This variant has been reported in one individual affected with dilated cardiomyopathy (PMID: 24503780, 27532257). This variant has not been identified in the general population by the Genome Aggregation Database (gnomAD). The available evidence is insufficient to determine the role of this variant in disease conclusively. Therefore, this variant is classified as a Variant of Uncertain Significance.

Laboratory for Molecular Medicine, Mass General Brigham Personalized Medicine
Classification: Uncertain significance. Last evaluated: 2022-09-07. Review status: criteria provided, single submitter. Criteria: ACMG Guidelines, 2015. Collection method: clinical testing. Allele origin: germline.
Comment: The p.Lys991Asn variant in MYH7 has been identified in 1 neonate with dilated cardiomyopathy (DCM; Pugh 2014 PMID: 24503870, Walsh 2017 PMID: 27532257, LMM data). This variant has also been reported by other clinical laboratories in ClinVar (Variation ID 177895) and has been identified in 0.001% (1/68022) of European chromosomes by gnomAD (v.3.1.2). Computational prediction tools and conservation analyses do not provide strong support for or against an impact to the protein. In summary, the clinical significance of this variant is uncertain. ACMG/AMP criteria applied: PM2_Supporting.

Fulgent Genetics
Classification: Uncertain significance for MYH7-related skeletal myopathy; Myosin storage myopathy; Hypertrophic cardiomyopathy 1; Myopathy, myosin storage, autosomal recessive; Congenital myopathy 4A, autosomal dominant; Dilated cardiomyopathy 1S. Last evaluated: 2021-12-23. Review status: criteria provided, single submitter. Criteria: ACMG Guidelines, 2015. Collection method: clinical testing. Allele origin: unknown.

Literature cited by the submitters: PubMed 27532257 (cited by 3 submitters); PubMed 24503780 (cited by 3 submitters); PubMed 37652022 (cited by Labcorp Genetics (formerly Invitae), Labcorp).

NM_000257.4(MYH7):c.2973G>T (p.Lys991Asn)

Gene: MYH7 (myosin heavy chain 7; minus strand). Cytogenetic location: 14q11.2.
Variant type: single nucleotide variant.
Coding change: c.2973G>T on transcript NM_000257.4 (MANE Select); coding-DNA position 2973, G replaced by T.
Protein change: p.Lys991Asn; replaces lysine 991 with asparagine.
Molecular consequence: missense variant.
Genome position (GRCh38, 1-based): chr14:23,423,673, C>A on the plus strand (G>T on the coding strand, the complement: MYH7 is on the minus strand). VCF-style: chr14-23423673-C-A. GRCh37 (hg19) VCF-style: chr14-23892882-C-A.
Other names: short protein forms K991N.
Identifiers: ClinVar variation 177895 (VCV000177895.22), dbSNP rs727504388, ClinGen allele CA013250.